The following is an entry in ClinVar:

NM_015272.5(RPGRIP1L):c.2138C>T (p.Thr713Ile)

Gene: RPGRIP1L (RPGRIP1 like; minus strand). Cytogenetic location: 16q12.2.
Variant type: single nucleotide variant.
Coding change: c.2138C>T on transcript NM_015272.5 (MANE Select); coding-DNA position 2138, C replaced by T.
Protein change: p.Thr713Ile; replaces threonine 713 with isoleucine.
Molecular consequence: missense variant.
Genome position (GRCh38, 1-based): chr16:53,652,549, G>A on the plus strand (C>T on the coding strand, the complement: RPGRIP1L is on the minus strand). VCF-style: chr16-53652549-G-A. GRCh37 (hg19) VCF-style: chr16-53686461-G-A.
Other names: c.2138C>T, p.Thr713Ile (NM_001127897.4, NM_001308334.3, NM_001330538.2); c.2138C>T (NM_015272.2); short protein forms T713I.
Identifiers: ClinVar variation 1005874 (VCV001005874.8), dbSNP rs1016477709, ClinGen allele CA281343818.

ClinVar aggregate classification (germline): Uncertain significance. Review status: criteria provided, multiple submitters, no conflicts (2 of 4 stars). 3 submissions from 3 submitters: Uncertain significance (2). 1 of the submissions does not count toward it. Last evaluated 2023-08-11.

Conditions:
Joubert syndrome. Also called: Familial aplasia of the vermis; CEREBELLOPARENCHYMAL DISORDER IV; JOUBERT-BOLTSHAUSER SYNDROME. Identifiers: Orphanet 475, MedGen C5979921, MONDO:0018772.
Meckel-Gruber syndrome. Also called: Dysencephalia splachnocystica; DYSENCEPHALIA SPLANCHNOCYSTICA; GRUBER SYNDROME. Identifiers: Orphanet 564, MedGen C0265215, MONDO:0018921.

Allele frequency attached by ClinVar (database versions not stated): gnomAD exomes below 0.00001.
gnomAD v4.1: 1 of 1,611,546 alleles (0.000062%); highest among the groups gnomAD compares: Non-Finnish European, 0.000085%; no homozygotes.

Submissions (3):

GeneDx
Classification: Uncertain significance. Last evaluated: 2023-08-11. Review status: criteria provided, single submitter. Criteria: GeneDx Variant Classification Process June 2021. Collection method: clinical testing. Allele origin: germline. Affected: yes.
Comment: Not observed at significant frequency in large population cohorts (gnomAD); In silico analysis supports that this missense variant has a deleterious effect on protein structure/function; Has not been previously published as pathogenic or benign to our knowledge

Labcorp Genetics (formerly Invitae), Labcorp
Classification: Uncertain significance for Joubert syndrome; Meckel-Gruber syndrome. Last evaluated: 2021-08-26. Review status: criteria provided, single submitter. Criteria: Invitae Variant Classification Sherloc (09022015). Collection method: clinical testing. Allele origin: germline.
Comment: This sequence change replaces threonine with isoleucine at codon 713 of the RPGRIP1L protein (p.Thr713Ile). The threonine residue is moderately conserved and there is a moderate physicochemical difference between threonine and isoleucine. This variant is not present in population databases (ExAC no frequency). This variant has not been reported in the literature in individuals affected with RPGRIP1L-related conditions. Algorithms developed to predict the effect of missense changes on protein structure and function are either unavailable or do not agree on the potential impact of this missense change (SIFT: "Deleterious"; PolyPhen-2: "Possibly Damaging"; Align-GVGD: "Class C0"). In summary, the available evidence is currently insufficient to determine the role of this variant in disease. Therefore, it has been classified as a Variant of Uncertain Significance.

Natera, Inc.
Classification: Uncertain significance for Joubert syndrome. Last evaluated: 2020-07-07. Review status: no assertion criteria provided. Collection method: clinical testing. Allele origin: germline. Not counted in ClinVar's aggregate classification.